The following is an entry in ClinVar:

NM_001042492.3(NF1):c.7457+1G>T

Gene: NF1 (neurofibromin 1; plus strand). Cytogenetic location: 17q11.2.
Variant type: single nucleotide variant.
Coding change: c.7457+1G>T on transcript NM_001042492.3 (MANE Select); the canonical splice donor site of the intron after coding-DNA position 7457, G replaced by T.
Molecular consequence: splice donor variant.
Genome position (GRCh38, 1-based): chr17:31,350,319, G>T. VCF-style: chr17-31350319-G-T. GRCh37 (hg19) VCF-style: chr17-29677337-G-T.
Other names: c.7394+1G>T (NM_000267.4).
Identifiers: ClinVar variation 1067139 (VCV001067139.5), dbSNP rs2151574698, ClinGen allele CA399017231.

ClinVar aggregate classification (germline): Uncertain significance (1 of 4 stars; one submission).

Conditions:
Neurofibromatosis, type 1 (NF1). Also called: VON RECKLINGHAUSEN DISEASE; Peripheral type neurofibromatosis; NEUROFIBROMATOSIS, TYPE I, SOMATIC; Neurofibromatosis, type I. Identifiers: Orphanet 636, MedGen C0027831, MONDO:0018975, OMIM 162200. Disease mechanism: loss of function.

Submission:

Labcorp Genetics (formerly Invitae), Labcorp
Classification: Uncertain significance for Neurofibromatosis, type 1. Last evaluated: 2025-06-05. Review status: criteria provided, single submitter. Criteria: Invitae Variant Classification Sherloc (09022015). Collection method: clinical testing. Allele origin: germline.
Comment: This sequence change affects a donor splice site in intron 49 of the NF1 gene. It is expected to disrupt RNA splicing. Variants that disrupt the donor or acceptor splice site typically lead to a loss of protein function (PMID: 16199547), and loss-of-function variants in NF1 are known to be pathogenic (PMID: 10712197, 23913538). This variant is not present in population databases (gnomAD no frequency). This variant has not been reported in the literature in individuals affected with NF1-related conditions. ClinVar contains an entry for this variant (Variation ID: 1067139). Studies have shown that disruption of this splice site is associated with inconclusive levels of altered splicing (internal data). In summary, the available evidence is currently insufficient to determine the role of this variant in disease. Therefore, it has been classified as a Variant of Uncertain Significance.

Literature cited by the submitters: PubMed 16199547; PubMed 10712197; PubMed 23913538.